The following is an entry in ClinVar:

NM_000489.6(ATRX):c.4399A>T (p.Asn1467Tyr)

Gene: ATRX (ATRX chromatin remodeler; minus strand). Cytogenetic location: Xq21.1.
Variant type: single nucleotide variant.
Coding change: c.4399A>T on transcript NM_000489.6 (MANE Select); coding-DNA position 4399, A replaced by T.
Protein change: p.Asn1467Tyr; replaces asparagine 1467 with tyrosine.
Molecular consequence: missense variant.
Genome position (GRCh38, 1-based): chrX:77,652,272, T>A on the plus strand (A>T on the coding strand, the complement: ATRX is on the minus strand). VCF-style: chrX-77652272-T-A. GRCh37 (hg19) VCF-style: chrX-76907762-T-A.
Other names: c.4285A>T, p.Asn1429Tyr (NM_138270.5); short protein forms N1467Y, N1429Y.
Identifiers: ClinVar variation 3634986 (VCV003634986.2).

ClinVar aggregate classification (germline): Uncertain significance (1 of 4 stars; one submission).

Conditions:
Alpha thalassemia-X-linked intellectual disability syndrome (ATRX). Also called: ALPHA-THALASSEMIA/MENTAL RETARDATION SYNDROME, X-LINKED; ATR, NONDELETION TYPE; ATR-X syndrome; Alpha thalassemia mental retardation syndrome, nondeletion type, X-linked; XLMR hypotonic face syndrome; X-linked alpha-thalassemia-mental retardation syndrome. Identifiers: Orphanet 847, MedGen C1845055, MONDO:0010519, OMIM 301040.

Submission:

Labcorp Genetics (formerly Invitae), Labcorp
Classification: Uncertain significance for Alpha thalassemia-X-linked intellectual disability syndrome. Last evaluated: 2024-08-20. Review status: criteria provided, single submitter. Criteria: Invitae Variant Classification Sherloc (09022015). Collection method: clinical testing. Allele origin: germline.
Comment: This sequence change replaces asparagine, which is neutral and polar, with tyrosine, which is neutral and polar, at codon 1467 of the ATRX protein (p.Asn1467Tyr). This variant is not present in population databases (gnomAD no frequency). This variant has not been reported in the literature in individuals affected with ATRX-related conditions. Invitae Evidence Modeling of protein sequence and biophysical properties (such as structural, functional, and spatial information, amino acid conservation, physicochemical variation, residue mobility, and thermodynamic stability) indicates that this missense variant is not expected to disrupt ATRX protein function with a negative predictive value of 95%. In summary, the available evidence is currently insufficient to determine the role of this variant in disease. Therefore, it has been classified as a Variant of Uncertain Significance.